The following is an entry in ClinVar:

ClinVar aggregate classification (germline): Uncertain significance (1 of 4 stars; one submission).

Allele frequency attached by ClinVar (database versions not stated): gnomAD exomes 0.00001; gnomAD 0.00003; ExAC 0.00002; TOPMed 0.00002.
gnomAD v4.1: 24 of 1,613,632 alleles (0.0015%); highest among the groups gnomAD compares: Middle Eastern, 0.033%; no homozygotes.

Submission:

Laboratory for Molecular Medicine, Mass General Brigham Personalized Medicine
Classification: Uncertain significance. Last evaluated: 2018-06-05. Review status: criteria provided, single submitter. Criteria: LMM Criteria. Collection method: clinical testing. Allele origin: germline. Observed: 1 variant allele.
Comment: The p.Arg265Cys variant in EPS8 has not been previously reported in individuals with hearing loss, but has been identified in 4/126612 of European chromosomes b y the Genome Aggregation Database (gnomAD; dbS NP rs749500838). Computational prediction tools and conservation analysis do not provide strong support for or against an impact to the protein. In summary, the clinical significance of the p.Arg265Cys variant is uncertain. ACMG/AMP criteri a applied: PM2_Supporting.

NM_004447.6(EPS8):c.793C>T (p.Arg265Cys)

Gene: EPS8 (EGFR pathway substrate 8, signaling adaptor; minus strand). Cytogenetic location: 12p12.3.
Variant type: single nucleotide variant.
Coding change: c.793C>T on transcript NM_004447.6 (MANE Select); coding-DNA position 793, C replaced by T.
Protein change: p.Arg265Cys; replaces arginine 265 with cysteine.
Molecular consequence: missense variant.
Genome position (GRCh38, 1-based): chr12:15,662,043, G>A on the plus strand (C>T on the coding strand, the complement: EPS8 is on the minus strand). VCF-style: chr12-15662043-G-A. GRCh37 (hg19) VCF-style: chr12-15814977-G-A.
Other names: short protein forms R265C.
Identifiers: ClinVar variation 666826 (VCV000666826.4), dbSNP rs749500838, ClinGen allele CA6467757.
Genomic context (GRCh38, chr12:15,662,043, plus strand): 5'-TTAAAAGAAAAGCCAGTGATCTAAAGGCGACTCCTGTACTTACCACATCTCTGTCAATGC[G>A]GGCTGCCATCATCTCAGGTGTTTCTTCCTGCTCATGATACTGCCTTGGTTTCTCAACTAT-3'
Protein context (NP_004438.3, residues 255-275): QEETPEMMAA[Arg265Cys]IDRDVQILNH